The following is an entry in ClinVar:

NM_032119.4(ADGRV1):c.13509C>A (p.Ser4503Arg)

Gene: ADGRV1 (adhesion G protein-coupled receptor V1; plus strand). Cytogenetic location: 5q14.3.
Variant type: single nucleotide variant.
Coding change: c.13509C>A on transcript NM_032119.4 (MANE Select); coding-DNA position 13509, C replaced by A.
Protein change: p.Ser4503Arg; replaces serine 4503 with arginine.
Molecular consequence: missense variant. On other transcripts: non-coding transcript variant (1).
Genome position (GRCh38, 1-based): chr5:90,783,913, C>A. VCF-style: chr5-90783913-C-A. GRCh37 (hg19) VCF-style: chr5-90079730-C-A.
Other names: short protein forms S4503R.
Identifiers: ClinVar variation 965552 (VCV000965552.9), dbSNP rs768572357, ClinGen allele CA3341542.
Genomic context (GRCh38, chr5:90,783,913, plus strand): 5'-CATTGAAATTCTACTCACTGGAGCTACTGGAGGAGCGGTCCTTGGGCGCCACCTAGTGAG[C>A]AGAATCATAATAGCTAAGAGTGACTCTCCCTTTGGAGTTATAAGGTTTCTCAATCAAAGC-3'
Protein context (NP_115495.3, residues 4493-4513): GGAVLGRHLV[Ser4503Arg]RIIIAKSDSP

ClinVar aggregate classification (germline): Uncertain significance. Review status: criteria provided, multiple submitters, no conflicts (2 of 4 stars). 3 submissions from 3 submitters: Uncertain significance (3). Last evaluated 2025-06-18.

Conditions:
Inborn genetic diseases. Identifiers: MedGen C0950123, MeSH D030342.

Allele frequency attached by ClinVar (database versions not stated): ExAC 0.00001; gnomAD 0.00001; gnomAD exomes 0.00002 and 0.00003; TOPMed 0.00002.
gnomAD v4.1: 41 of 1,612,164 alleles (0.0025%); highest among the groups gnomAD compares: Non-Finnish European, 0.0034%; no homozygotes.

Submissions (3):

Ambry Genetics
Classification: Uncertain significance for Inborn genetic diseases. Last evaluated: 2025-06-18. Review status: criteria provided, single submitter. Criteria: Ambry Variant Classification Scheme 2023. Collection method: clinical testing. Allele origin: germline.

Labcorp Genetics (formerly Invitae), Labcorp
Classification: Uncertain significance. Last evaluated: 2022-07-09. Review status: criteria provided, single submitter. Criteria: Invitae Variant Classification Sherloc (09022015). Collection method: clinical testing. Allele origin: germline.
Comment: This sequence change replaces serine, which is neutral and polar, with arginine, which is basic and polar, at codon 4503 of the ADGRV1 protein (p.Ser4503Arg). This variant is present in population databases (rs768572357, gnomAD 0.004%). This variant has not been reported in the literature in individuals affected with ADGRV1-related conditions. ClinVar contains an entry for this variant (Variation ID: 965552). Algorithms developed to predict the effect of missense changes on protein structure and function are either unavailable or do not agree on the potential impact of this missense change (SIFT: "Deleterious"; PolyPhen-2: "Probably Damaging"; Align-GVGD: "Class C0"). In summary, the available evidence is currently insufficient to determine the role of this variant in disease. Therefore, it has been classified as a Variant of Uncertain Significance.

Blueprint Genetics
Classification: Uncertain significance. Last evaluated: 2022-06-15. Review status: criteria provided, single submitter. Criteria: ACMG Guidelines, 2015. Collection method: clinical testing. Allele origin: germline.